The following is an entry in ClinVar:

ClinVar aggregate classification (germline): Uncertain significance (1 of 4 stars; one submission).

Conditions:
Hereditary spastic paraplegia 4. Also called: Spastic Paraplegia 4; Spastic paraplegia 4, autosomal dominant; Familial spastic paraplegia autosomal dominant 2. Identifiers: Orphanet 100985, MedGen C1866855, MONDO:0008438, OMIM 182601.

Submission:

Institute of Human Genetics, University of Leipzig Medical Center
Classification: Uncertain significance for Hereditary spastic paraplegia 4. Last evaluated: 2026-08-12. Review status: criteria provided, single submitter. Criteria: ACMG Guidelines, 2015. Collection method: clinical testing. Allele origin: unknown. Inheritance: Autosomal dominant inheritance. Affected: yes.
Comment: Criteria applied: PM2,PP3

NM_014946.4(SPAST):c.-76G>A

Gene: SPAST (spastin; plus strand). Cytogenetic location: 2p22.3.
Variant type: single nucleotide variant.
Coding change: c.-76G>A on transcript NM_014946.4 (MANE Select); 76 bases upstream of the start codon, G replaced by A.
Molecular consequence: 5 prime UTR variant.
Genome position (GRCh38, 1-based): chr2:32,063,756, G>A. VCF-style: chr2-32063756-G-A. GRCh37 (hg19) VCF-style: chr2-32288825-G-A.
Other names: c.-76G>A (NM_001363823.2, NM_001363875.2, NM_001377959.1 and 1 more transcripts).
Identifiers: ClinVar variation 4890732 (VCV004890732.1).